The following is an entry in ClinVar:

ClinVar aggregate classification (germline): Uncertain significance (1 of 4 stars; one submission).

Submission:

GeneDx
Classification: Uncertain significance. Last evaluated: 2024-01-10. Review status: criteria provided, single submitter. Criteria: GeneDx Variant Classification Process June 2021. Collection method: clinical testing. Allele origin: germline. Affected: yes.
Comment: Located in the critical HNF4A binding site within the promoter region (PMID: 18003757); Has not been previously published as pathogenic or benign to our knowledge; No data available from control populations to assess the frequency of this variant; This variant is associated with the following publications: (PMID: 18003757)

NC_000012.12:g.120978487A>G

Gene: HNF1A (HNF1 homeobox A; plus strand). Cytogenetic location: 12q24.31.
Variant type: single nucleotide variant.
Genome position: GRCh38 VCF-style: chr12-120978487-A-G. GRCh37 (hg19) VCF-style: chr12-121416290-A-G.
Identifiers: ClinVar variation 2443566 (VCV002443566.3), dbSNP rs2499971947, ClinGen allele CA2580085890.
Genomic context (GRCh38, chr12:120,978,487, plus strand): 5'-CCATAGCTCCCTGTCCCTCTCCGCTGCCATGAGGCCTGCACTTTGCAGGGCTGAAGTCCA[A>G]AGTTCAGTCCCTTCGCTAAGCACACGGATAAATATGAACCTTGGAGAATTTCCCCAGCTC-3'